The following is an entry in ClinVar:

ClinVar aggregate classification (germline): Uncertain significance (0 of 4 stars; one submission).

Conditions:
Aarskog syndrome (AAS). Also called: Aarskog Scott syndrome; Aarskog disease; Aarskog-Scott syndrome, X-linked; FGD1-Related Faciogenital Dysplasia (Aarskog-Scott Syndrome); FGDY. Identifiers: Orphanet 915, MedGen C0175701, MONDO:0010589, OMIM 305400.

Submission:

Istanbul Faculty of Medicine, Istanbul University
Classification: Uncertain significance for Aarskog syndrome. Last evaluated: 2024-10-02. Review status: no assertion criteria provided. Collection method: clinical testing. Allele origin: germline. Affected: yes. Observed: 1 variant allele.
Comment: PM2, PP2

NM_004463.3(FGD1):c.1807A>G (p.Lys603Glu)

Gene: FGD1 (FYVE, RhoGEF and PH domain containing 1; minus strand). Cytogenetic location: Xp11.22.
Variant type: single nucleotide variant.
Coding change: c.1807A>G on transcript NM_004463.3 (MANE Select); coding-DNA position 1807, A replaced by G.
Protein change: p.Lys603Glu; replaces lysine 603 with glutamic acid.
Molecular consequence: missense variant.
Genome position (GRCh38, 1-based): chrX:54,456,255, T>C on the plus strand (A>G on the coding strand, the complement: FGD1 is on the minus strand). VCF-style: chrX-54456255-T-C. GRCh37 (hg19) VCF-style: chrX-54482688-T-C.
Other names: short protein forms K603E.
Identifiers: ClinVar variation 3747857 (VCV003747857.1).